The following is an entry in ClinVar:

NM_000059.4(BRCA2):c.1475C>T (p.Ser492Phe)

Gene: BRCA2 (BRCA2 DNA repair associated; plus strand). Cytogenetic location: 13q13.1.
Variant type: single nucleotide variant.
Coding change: c.1475C>T on transcript NM_000059.4 (MANE Select); coding-DNA position 1475, C replaced by T.
Protein change: p.Ser492Phe; replaces serine 492 with phenylalanine.
Molecular consequence: missense variant. On other transcripts: non-coding transcript variant (1), intron variant (1).
Genome position (GRCh38, 1-based): chr13:32,332,953, C>T. VCF-style: chr13-32332953-C-T. GRCh37 (hg19) VCF-style: chr13-32907090-C-T.
Other names: c.1475C>T, p.Ser492Phe (NM_001406719.1, NM_001406720.1, NM_001406721.1 and 1 more transcripts); c.424+1923C>T (NM_001406722.1); short protein forms S492F.
Identifiers: ClinVar variation 3482161 (VCV003482161.3).

ClinVar aggregate classification (germline): Conflicting classifications of pathogenicity. Review status: criteria provided, conflicting classifications (1 of 4 stars). 2 submissions from 2 submitters: Uncertain significance (1); Likely benign (1). Last evaluated 2024-11-15.

Conditions:
Hereditary cancer-predisposing syndrome. Also called: Tumor predisposition; Neoplastic Syndromes, Hereditary; Hereditary Cancer Syndrome; Hereditary neoplastic syndrome. Identifiers: Orphanet 140162, MedGen C0027672, MeSH D009386, MONDO:0015356.
Hereditary breast ovarian cancer syndrome. Also called: Hereditary breast and ovarian cancer; Breast and ovarian cancer; Hereditary breast and/or ovarian cancer syndrome; Hereditary breast and ovarian cancer syndrome; BRCA1- and BRCA2-Associated Hereditary Breast and Ovarian Cancer; Hereditary breast and ovarian cancer syndrome (HBOC). Identifiers: Orphanet 145, MedGen C0677776, MeSH D061325, MONDO:0003582. Disease mechanism: loss of function.

Submissions (2):

Ambry Genetics
Classification: Likely benign for Hereditary cancer-predisposing syndrome. Last evaluated: 2024-11-15. Review status: criteria provided, single submitter. Criteria: Ambry Variant Classification Scheme 2023. Collection method: clinical testing. Allele origin: germline.

Labcorp Genetics (formerly Invitae), Labcorp
Classification: Uncertain significance for Hereditary breast ovarian cancer syndrome. Last evaluated: 2024-03-01. Review status: criteria provided, single submitter. Criteria: Invitae Variant Classification Sherloc (09022015). Collection method: clinical testing. Allele origin: germline.
Comment: This sequence change replaces serine, which is neutral and polar, with phenylalanine, which is neutral and non-polar, at codon 492 of the BRCA2 protein (p.Ser492Phe). This variant is not present in population databases (gnomAD no frequency). This variant has not been reported in the literature in individuals affected with BRCA2-related conditions. Advanced modeling of protein sequence and biophysical properties (such as structural, functional, and spatial information, amino acid conservation, physicochemical variation, residue mobility, and thermodynamic stability) performed at Invitae indicates that this missense variant is not expected to disrupt BRCA2 protein function with a negative predictive value of 95%. In summary, the available evidence is currently insufficient to determine the role of this variant in disease. Therefore, it has been classified as a Variant of Uncertain Significance.